The following is an entry in ClinVar:

NM_003982.4(SLC7A7):c.895-2A>G

Gene: SLC7A7 (solute carrier family 7 member 7; minus strand). Cytogenetic location: 14q11.2.
Variant type: single nucleotide variant.
Coding change: c.895-2A>G on transcript NM_003982.4 (MANE Select); the canonical splice acceptor site of the intron before coding-DNA position 895, A replaced by G.
Molecular consequence: splice acceptor variant.
Genome position (GRCh38, 1-based): chr14:22,775,938, T>C on the plus strand (A>G on the coding strand, the complement: SLC7A7 is on the minus strand). VCF-style: chr14-22775938-T-C. GRCh37 (hg19) VCF-style: chr14-23245147-T-C.
Other names: c.895-2A>G (NM_001126106.4, NM_001126105.3).
Identifiers: ClinVar variation 56381 (VCV000056381.9), dbSNP rs146582474, ClinGen allele CA263854.

ClinVar aggregate classification (germline): Pathogenic. Review status: criteria provided, multiple submitters, no conflicts (2 of 4 stars). 3 submissions from 3 submitters: Pathogenic (2). 1 of the submissions does not count toward it. Last evaluated 2025-11-04.

Conditions:
Lysinuric protein intolerance (LPI). Identifiers: Orphanet 470, MedGen C0268647, MONDO:0009109, OMIM 222700.

Submissions (3):

Labcorp Genetics (formerly Invitae), Labcorp
Classification: Pathogenic for Lysinuric protein intolerance. Last evaluated: 2025-11-04. Review status: criteria provided, single submitter. Criteria: Invitae Variant Classification Sherloc (09022015). Collection method: clinical testing. Allele origin: germline.
Comment: This sequence change affects an acceptor splice site in intron 6 of the SLC7A7 gene. It is expected to disrupt RNA splicing. Variants that disrupt the donor or acceptor splice site typically lead to a loss of protein function (PMID: 16199547), and loss-of-function variants in SLC7A7 are known to be pathogenic (PMID: 10631139, 17764084). This variant is not present in population databases (gnomAD no frequency). Disruption of this splice site has been observed in individuals with lysinuric protein intolerance (PMID: 10080183, 17666782). This variant is also known as IVS6-2A>G. ClinVar contains an entry for this variant (Variation ID: 56381). Algorithms developed to predict the effect of sequence changes on RNA splicing suggest that this variant may disrupt the consensus splice site. For these reasons, this variant has been classified as Pathogenic.

Baylor Genetics
Classification: Pathogenic for Lysinuric protein intolerance. Last evaluated: 2023-04-27. Review status: criteria provided, single submitter. Criteria: ACMG Guidelines, 2015. Collection method: clinical testing. Allele origin: unknown.

Juha Muilu Group; Institute for Molecular Medicine Finland (FIMM)
Classification: Likely pathogenic for Lysinuric protein intolerance. Review status: no assertion criteria provided. Collection method: not provided. Allele origin: unknown. Not counted in ClinVar's aggregate classification.
Comment: FinDis database variant: This variant was not found or characterized by our laboratory, data were collected from public sources: see reference
ClinVar note: Converted during submission from probable-pathogenic to Likely pathogenic.

Literature cited by the submitters: PubMed 16199547 (cited by Labcorp Genetics (formerly Invitae), Labcorp); PubMed 10631139 (cited by Labcorp Genetics (formerly Invitae), Labcorp); PubMed 17764084 (cited by Labcorp Genetics (formerly Invitae), Labcorp); PubMed 10080183 (cited by Labcorp Genetics (formerly Invitae), Labcorp); PubMed 17666782 (cited by Labcorp Genetics (formerly Invitae), Labcorp).